The following is an entry in ClinVar:

ClinVar aggregate classification (germline): Uncertain significance (1 of 4 stars; one submission).

Allele frequency attached by ClinVar (database versions not stated): gnomAD exomes 0.00001 and 0.00005; TOPMed 0.00002; gnomAD 0.00003 and 0.00004; ExAC 0.00004.

Submission:

Labcorp Genetics (formerly Invitae), Labcorp
Classification: Uncertain significance. Last evaluated: 2023-04-05. Review status: criteria provided, single submitter. Criteria: Invitae Variant Classification Sherloc (09022015). Collection method: clinical testing. Allele origin: germline.
Comment: This sequence change replaces alanine, which is neutral and non-polar, with threonine, which is neutral and polar, at codon 41 of the ZIC1 protein (p.Ala41Thr). This variant is present in population databases (rs770296574, gnomAD 0.06%), and has an allele count higher than expected for a pathogenic variant. This variant has not been reported in the literature in individuals affected with ZIC1-related conditions. ClinVar contains an entry for this variant (Variation ID: 1478645). An algorithm developed to predict the effect of missense changes on protein structure and function (PolyPhen-2) suggests that this variant is likely to be tolerated. In summary, the available evidence is currently insufficient to determine the role of this variant in disease. Therefore, it has been classified as a Variant of Uncertain Significance.

NM_003412.4(ZIC1):c.121G>A (p.Ala41Thr)

Gene: ZIC1 (Zic family zinc finger 1; plus strand). Cytogenetic location: 3q24.
Variant type: single nucleotide variant.
Coding change: c.121G>A on transcript NM_003412.4 (MANE Select); coding-DNA position 121, G replaced by A.
Protein change: p.Ala41Thr; replaces alanine 41 with threonine.
Molecular consequence: missense variant.
Genome position (GRCh38, 1-based): chr3:147,410,233, G>A. VCF-style: chr3-147410233-G-A. GRCh37 (hg19) VCF-style: chr3-147128020-G-A.
Other names: short protein forms A41T.
Identifiers: ClinVar variation 1478645 (VCV001478645.6), dbSNP rs770296574, ClinGen allele CA2657019.